The following is an entry in ClinVar:

ClinVar aggregate classification (germline): Pathogenic/Likely pathogenic. Review status: criteria provided, multiple submitters, no conflicts (2 of 4 stars). 11 submissions from 11 submitters: Pathogenic (9); Likely pathogenic (2). Last evaluated 2026-08-06.

Conditions:
Leber congenital amaurosis (LCA). Also called: Leber's amaurosis. Identifiers: Orphanet 65, MedGen C0339527, MeSH D057130, MONDO:0018998.
RDH12-related disorder. Also called: RDH12-related disorders; RDH12-related condition.
Leber congenital amaurosis 13 (LCA13). Identifiers: MedGen C2675186, MONDO:0012990, OMIM 612712.

Allele frequency attached by ClinVar (database versions not stated): gnomAD exomes 0.00002 and 0.00001; TOPMed 0.00002; 1000 Genomes Project 0.00020; ExAC 0.00002; gnomAD 0.00005; 1000 Genomes Project 30x 0.00016.
gnomAD v4.1: 19 of 1,614,206 alleles (0.0012%); highest among the groups gnomAD compares: Admixed American, 0.02%; no homozygotes.

Submissions (11):

OLLIN Analises Genomicas, OLLIN
Classification: Pathogenic for Leber congenital amaurosis 13. Last evaluated: 2026-08-06. Review status: criteria provided, single submitter. Criteria: ACMG Guidelines 2015 PMID 25741868. Collection method: clinical testing. Allele origin: germline.
Comment: This missense variant, located in exon 5 (of 9), has been reported in ClinVar (accession VCV001067256.15), in gnomAD with an allele frequency of 0.0012%, and in the scientific literature, in compound heterozygosity, in individuals with RDH12 related disorders (PMID: 34448047, 28157192, 21151602, 35119454). In silico analysis predicts that this variant has a deleterious effect. According to the currently available evidence, this variant has been classified as pathogenic (PM2_P, PM3_VS, PP3).

Dasa
Classification: Pathogenic. Last evaluated: 2026-02-12. Review status: criteria provided, single submitter. Criteria: DASA Assertion Criteria. Collection method: clinical testing. Allele origin: germline.
Comment: NM_152443.3(RDH12):c.278T>C (p.Leu93Pro) is a missense variant that results in the substitution of leucine with proline. The affected residue or protein region has prior evidence supporting clinical relevance. This variant has been observed in affected individuals with related phenotype in a genotype context consistent with recessive disease (PMID: 28157192; PMID: 21151602; PMID: 34448047; PMID: 35119454). Functional evidence supports a deleterious effect on the gene or gene product (PMID: 28157192; PMID: 21151602; PMID: 34448047; PMID: 35119454). This variant has been recurrently observed in individuals with related phenotype (PMID: 28157192; PMID: 21151602; PMID: 34448047; PMID: 35119454). Multiple computational predictions support a deleterious effect on the gene or gene product. The variant is present at low frequency in population datasets. Based on the available data, this variant is classified as pathogenic.

Labcorp Genetics (formerly Invitae), Labcorp
Classification: Pathogenic for Leber congenital amaurosis 13. Last evaluated: 2026-01-03. Review status: criteria provided, single submitter. Criteria: Invitae Variant Classification Sherloc (09022015). Collection method: clinical testing. Allele origin: germline.
Comment: This sequence change replaces leucine, which is neutral and non-polar, with proline, which is neutral and non-polar, at codon 93 of the RDH12 protein (p.Leu93Pro). This variant is present in population databases (rs527800020, gnomAD 0.006%). This missense change has been observed in individual(s) with autosomal recessive Leber congenital amaurosis or retinitis pigmentosa (PMID: 21151602, 28157192; internal data). In at least one individual the data is consistent with being in trans (on the opposite chromosome) from a pathogenic variant. ClinVar contains an entry for this variant (Variation ID: 1067256). Invitae Evidence Modeling of protein sequence and biophysical properties (such as structural, functional, and spatial information, amino acid conservation, physicochemical variation, residue mobility, and thermodynamic stability) indicates that this missense variant is not expected to disrupt RDH12 protein function with a negative predictive value of 80%. For these reasons, this variant has been classified as Pathogenic.

3billion
Classification: Pathogenic for Leber congenital amaurosis 13. Last evaluated: 2025-09-25. Review status: criteria provided, single submitter. Criteria: ACMG Guidelines, 2015. Collection method: clinical testing. Allele origin: germline. Affected: yes.
Comment: The variant is observed at an extremely low frequency in the gnomAD v4.1.0 dataset (total allele frequency: 0.001%). Predicted Consequence/Location: Missense variant In silico tool predictions suggest damaging effect of the variant on gene or gene product [REVEL: 0.74 (>=0.6, sensitivity 0.68 and specificity 0.92); 3Cnet: 0.32 (> 0.75, sensitivity 0.96 and precision 0.92)]. The same nucleotide change resulting in the same amino acid change has been previously reported as pathogenic/likely pathogenic with strong evidence (ClinVar ID: VCV001067256 /PMID: 21151602 /3billion dataset). The variant has been reported to be in trans with a pathogenic variant as either compound heterozygous or homozygous in at least 2 similarly affected unrelated individuals (PMID: 21151602, 28157192). Therefore, this variant is classified as Pathogenic according to the recommendation of ACMG/AMP guideline.

Natera, Inc.
Classification: Pathogenic for Leber congenital amaurosis. Last evaluated: 2024-12-31. Review status: criteria provided, single submitter. Criteria: Natera Variant Classification Schema (03/2026). Collection method: clinical testing. Allele origin: germline.
Comment: The c.278T>C variant in RDH12 is a missense variant predicted to cause substitution of leucine to proline at amino acid 93. This variant is rare in the general population with a frequency below the threshold expected for the associated phenotype(s). This variant has been observed in one or more individuals affected with the associated recessive disease, as either homozygous or compound heterozygous with a second variant (PMID: 37714431). Computational prediction algorithms indicate this variant is likely to affect gene or protein function. Given the available evidence, this variant is classified as Pathogenic.

Blueprint Genetics
Classification: Pathogenic for RDH12-related disorders. Last evaluated: 2024-09-13. Review status: criteria provided, single submitter. Criteria: ACMG Guidelines, 2015. Collection method: clinical testing. Allele origin: germline. Affected: yes. Observed: 5 variant alleles.

Fulgent Genetics
Classification: Likely pathogenic for Leber congenital amaurosis 13. Last evaluated: 2024-02-05. Review status: criteria provided, single submitter. Criteria: ACMG Guidelines, 2015. Collection method: clinical testing. Allele origin: germline.

Institute of Medical Genetics and Applied Genomics, University Hospital Tübingen
Classification: Pathogenic for Leber congenital amaurosis 13. Last evaluated: 2023-08-23. Review status: criteria provided, single submitter. Criteria: ACMG Guidelines, 2015. Collection method: clinical testing. Allele origin: germline. Inheritance: Autosomal recessive inheritance. Affected: yes.

Women's Health and Genetics/Laboratory Corporation of America, LabCorp
Classification: Pathogenic for Leber congenital amaurosis. Last evaluated: 2023-03-15. Review status: criteria provided, single submitter. Criteria: LabCorp Variant Classification Summary - May 2015. Collection method: clinical testing. Allele origin: germline.
Comment: Variant summary: RDH12 c.278T>C (p.Leu93Pro) results in a non-conservative amino acid change in the encoded protein sequence. Five of five in-silico tools predict a damaging effect of the variant on protein function. The variant allele was found at a frequency of 1.6e-05 in 251492 control chromosomes (gnomAD). c.278T>C has been reported in the literature in multiple individuals affected with RDH12 related disorders (example: Avila-Fernndez_2010, Bravo-Gil_2017, Perea-Romero_2021, Pozo-valero_2021). These data indicate that the variant is very likely to be associated with disease. Three clinical diagnostic laboratories have submitted clinical-significance assessments for this variant to ClinVar after 2014 and all classified the variant as pathogenic/likely pathogenic. Based on the evidence outlined above, the variant was classified as pathogenic.

Mendelics
Classification: Pathogenic for Leber congenital amaurosis 13. Last evaluated: 2022-05-04. Review status: criteria provided, single submitter. Criteria: Mendelics Assertion Criteria 2019. Collection method: clinical testing. Allele origin: germline.

Clinical Genetics Service, Universitary Hospital 12 de Octubre
Classification: Likely pathogenic for Leber congenital amaurosis 13. Review status: criteria provided, single submitter. Criteria: ACMG Guidelines, 2015. Collection method: clinical testing. Allele origin: germline. Affected: yes.

Literature cited by the submitters: PubMed 34448047 (cited by 3 submitters); PubMed 28157192 (cited by 5 submitters); PubMed 21151602 (cited by 5 submitters); PubMed 35119454 (cited by 3 submitters); PubMed 37714431 (cited by Natera, Inc.).

NM_152443.3(RDH12):c.278T>C (p.Leu93Pro)

Genes: GPHN (gephyrin; plus strand), RDH12 (retinol dehydrogenase 12; plus strand). Cytogenetic location: 14q24.1.
Variant type: single nucleotide variant.
Coding change: c.278T>C on transcript NM_152443.3 (MANE Select); coding-DNA position 278, T replaced by C.
Protein change: p.Leu93Pro; replaces leucine 93 with proline.
Molecular consequence: missense variant.
Genome position (GRCh38, 1-based): chr14:67,725,189, T>C. VCF-style: chr14-67725189-T-C. GRCh37 (hg19) VCF-style: chr14-68191906-T-C.
Other names: c.278T>C (NM_152443.2); short protein forms L93P.
Identifiers: ClinVar variation 1067256 (VCV001067256.19), dbSNP rs527800020, ClinGen allele CA7238658.